The following is an entry in ClinVar:

ClinVar aggregate classification (germline): Uncertain significance (1 of 4 stars; one submission).

Conditions:
Hereditary cancer-predisposing syndrome. Also called: Tumor predisposition; Neoplastic Syndromes, Hereditary; Hereditary neoplastic syndrome; Hereditary Cancer Syndrome. Identifiers: Orphanet 140162, MedGen C0027672, MeSH D009386, MONDO:0015356.

Submission:

Ambry Genetics
Classification: Uncertain significance for Hereditary cancer-predisposing syndrome. Last evaluated: 2025-08-27. Review status: criteria provided, single submitter. Criteria: Ambry Variant Classification Scheme 2023. Collection method: clinical testing. Allele origin: germline.
Comment: The p.E479A variant (also known as c.1436A>C), located in coding exon 14 of the MUTYH gene, results from an A to C substitution at nucleotide position 1436. The glutamic acid at codon 479 is replaced by alanine, an amino acid with dissimilar properties. This amino acid position is conserved. In addition, the in silico prediction for this alteration is inconclusive. Based on the available evidence, the clinical significance of this variant remains unclear.

NM_001048174.2(MUTYH):c.1352A>C (p.Glu451Ala)

Gene: MUTYH (mutY DNA glycosylase; minus strand). Cytogenetic location: 1p34.1.
Variant type: single nucleotide variant.
Coding change: c.1352A>C on transcript NM_001048174.2 (MANE Select); coding-DNA position 1352, A replaced by C.
Protein change: p.Glu451Ala; replaces glutamic acid 451 with alanine.
Molecular consequence: missense variant. On other transcripts: non-coding transcript variant (7).
Genome position (GRCh38, 1-based): chr1:45,331,222, T>G on the plus strand (A>C on the coding strand, the complement: MUTYH is on the minus strand). VCF-style: chr1-45331222-T-G. GRCh37 (hg19) VCF-style: chr1-45796894-T-G.
Other names: c.1352A>C, p.Glu451Ala (NM_001048171.2, NM_001048173.2, NM_001293195.2 and 6 more transcripts); c.1355A>C, p.Glu452Ala (NM_001048172.2, NM_001407086.1, NM_001407071.1 and 1 more transcripts); c.1436A>C, p.Glu479Ala (NM_001128425.2); c.1397A>C, p.Glu466Ala (NM_001293190.2); c.1385A>C, p.Glu462Ala (NM_001293191.2, NM_001407069.1, NM_001407077.1); c.1076A>C, p.Glu359Ala (NM_001293192.2, NM_001293196.2, NM_001407091.1); c.1007A>C, p.Glu336Ala (NM_001350650.2, NM_001350651.2, NM_001407082.1); c.1394A>C, p.Glu465Ala (NM_001407083.1, NM_001407085.1); and 5 more; short protein forms E437A, E452A, E458A, E462A, E359A, E465A, E466A, E479A.
Identifiers: ClinVar variation 4113243 (VCV004113243.1).